The following is an entry in ClinVar:

ClinVar aggregate classification (germline): Likely benign. Review status: reviewed by expert panel (3 of 4 stars). 3 submissions from 3 submitters: Likely benign (1). 2 of the submissions do not count toward it. Last evaluated 2017-06-29.

Conditions:
Hereditary breast ovarian cancer syndrome. Also called: Hereditary breast and ovarian cancer; Hereditary breast and ovarian cancer syndrome (HBOC); Hereditary breast and/or ovarian cancer syndrome; Breast and ovarian cancer; Hereditary breast and ovarian cancer syndrome; BRCA1- and BRCA2-Associated Hereditary Breast and Ovarian Cancer. Identifiers: Orphanet 145, MedGen C0677776, MeSH D061325, MONDO:0003582. Disease mechanism: loss of function.
Breast-ovarian cancer, familial, susceptibility to, 2 (BROVCA2). Also called: BRCA2 Hereditary Breast and Ovarian Cancer. Identifiers: Orphanet 145, MedGen C2675520, MONDO:0012933, OMIM 612555. Disease mechanism: loss of function.

Submissions (3):

Evidence-based Network for the Interpretation of Germline Mutant Alleles (ENIGMA)
Classification: Likely benign for Breast-ovarian cancer, familial, susceptibility to, 2. Last evaluated: 2017-06-29. Review status: reviewed by expert panel. Criteria: ENIGMA BRCA1/2 Classification Criteria (2017-06-29). Collection method: curation. Allele origin: germline.
Comment: Synonymous substitution variant, with low bioinformatic likelihood to result in a splicing aberration (Splicing prior probability 0.02).

Labcorp Genetics (formerly Invitae), Labcorp
Classification: Likely benign for Hereditary breast ovarian cancer syndrome. Last evaluated: 2021-08-29. Review status: criteria provided, single submitter. Criteria: Invitae Variant Classification Sherloc (09022015). Collection method: clinical testing. Allele origin: germline. Not counted in ClinVar's aggregate classification.

Sharing Clinical Reports Project (SCRP)
Classification: Uncertain significance for Breast-ovarian cancer, familial 2. Last evaluated: 2008-07-22. Review status: no assertion criteria provided. Collection method: clinical testing. Allele origin: germline. Not counted in ClinVar's aggregate classification.

NM_000059.4(BRCA2):c.3330A>G (p.Glu1110=)

Gene: BRCA2 (BRCA2 DNA repair associated; plus strand). Cytogenetic location: 13q13.1.
Variant type: single nucleotide variant.
Coding change: c.3330A>G on transcript NM_000059.4 (MANE Select); coding-DNA position 3330, A replaced by G.
Protein change: p.Glu1110=; no amino-acid change (glutamic acid 1110 retained).
Molecular consequence: synonymous variant.
Genome position (GRCh38, 1-based): chr13:32,337,685, A>G. VCF-style: chr13-32337685-A-G. GRCh37 (hg19) VCF-style: chr13-32911822-A-G.
Other names: E1110D; 3558A>G.
Identifiers: ClinVar variation 37836 (VCV000037836.11), dbSNP rs369294255, ClinGen allele CA017801.